The following is an entry in ClinVar:

NM_001035.3(RYR2):c.8534C>T (p.Ala2845Val)

Gene: RYR2 (ryanodine receptor 2; plus strand). Cytogenetic location: 1q43.
Variant type: single nucleotide variant.
Coding change: c.8534C>T on transcript NM_001035.3 (MANE Select); coding-DNA position 8534, C replaced by T.
Protein change: p.Ala2845Val; replaces alanine 2845 with valine.
Molecular consequence: missense variant.
Genome position (GRCh38, 1-based): chr1:237,667,902, C>T. VCF-style: chr1-237667902-C-T. GRCh37 (hg19) VCF-style: chr1-237831202-C-T.
Other names: short protein forms A2845V.
Identifiers: ClinVar variation 3385798 (VCV003385798.1).

ClinVar aggregate classification (germline): Uncertain significance (1 of 4 stars; one submission).

Conditions:
Catecholaminergic polymorphic ventricular tachycardia (CVPT). Also called: Catecholamine-induced polymorphic ventricular tachycardia. Identifiers: Orphanet 3286, MedGen C5574922, MONDO:0017990.

Submission:

All of Us Research Program, National Institutes of Health
Classification: Uncertain significance for Catecholaminergic polymorphic ventricular tachycardia. Last evaluated: 2024-02-22. Review status: criteria provided, single submitter. Criteria: ACMG Guidelines, 2015. Collection method: clinical testing. Allele origin: germline. Inheritance: Autosomal dominant inheritance. Observed: 1 variant allele, 1 heterozygote.
Comment: This missense variant replaces alanine with valine at codon 2845 of the RYR2 protein. Computational prediction suggests that this variant may have deleterious impact on protein structure and function (internally defined REVEL score threshold >= 0.7, PMID: 27666373). To our knowledge, functional studies have not been reported for this variant. This variant has not been reported in individuals affected with RYR2-related disorders in the literature. This variant has not been identified in the general population by the Genome Aggregation Database (gnomAD). The available evidence is insufficient to determine the role of this variant in disease conclusively. Therefore, this variant is classified as a Variant of Uncertain Significance.

This study involves interpretation of variants in research participants for the purpose of population health screening. Participant phenotype was not available at the time of variant classification. Additional details can be found in publication PMID: 35346344, PMCID: PMC8962531